The following is an entry in ClinVar:

ClinVar aggregate classification (germline): Uncertain significance (1 of 4 stars; one submission).

gnomAD v4.1: 2 of 1,610,642 alleles (0.00012%); highest among the groups gnomAD compares: East Asian, 0.0022%; no homozygotes.

Submission:

Ambry Genetics
Classification: Uncertain significance. Last evaluated: 2023-07-27. Review status: criteria provided, single submitter. Criteria: Ambry Variant Classification Scheme 2023. Collection method: clinical testing. Allele origin: germline.
Comment: The p.Y5H variant (also known as c.13T>C), located in coding exon 1 of the MNDA gene, results from a T to C substitution at nucleotide position 13. The tyrosine at codon 5 is replaced by histidine, an amino acid with similar properties. This amino acid position is conserved. In addition, this alteration is predicted to be tolerated by in silico analysis. Since supporting evidence is limited at this time, the clinical significance of this alteration remains unclear.

NM_002432.3(MNDA):c.13T>C (p.Tyr5His)

Gene: MNDA (myeloid cell nuclear differentiation antigen; plus strand). Cytogenetic location: 1q23.1.
Variant type: single nucleotide variant.
Coding change: c.13T>C on transcript NM_002432.3 (MANE Select); coding-DNA position 13, T replaced by C.
Protein change: p.Tyr5His; replaces tyrosine 5 with histidine.
Molecular consequence: missense variant.
Genome position (GRCh38, 1-based): chr1:158,842,166, T>C. VCF-style: chr1-158842166-T-C. GRCh37 (hg19) VCF-style: chr1-158811956-T-C.
Other names: short protein forms Y5H.
Identifiers: ClinVar variation 2621550 (VCV002621550.2), dbSNP rs1055167156, ClinGen allele CA343036196.
Genomic context (GRCh38, chr1:158,842,166, plus strand): 5'-AATGTTGTGTGTCATTTTTACTTTATAGGCCAAGCTATAACATCAGAAATGGTGAATGAA[T>C]ACAAGAAAATTCTTTTGCTGAAAGGATTTGAGCTCATGGATGATTATCATTTTACATCAA-3'
Protein context (NP_002423.1, residues 1-15): MVNE[Tyr5His]KKILLLKGFE